The following is an entry in ClinVar:

ClinVar aggregate classification (germline): Uncertain significance. Review status: criteria provided, multiple submitters, no conflicts (2 of 4 stars). 3 submissions from 3 submitters: Uncertain significance (3). Last evaluated 2025-09-30.

Conditions:
Autosomal recessive limb-girdle muscular dystrophy type 2Q (LGMDR17). Also called: MUSCULAR DYSTROPHY, LIMB-GIRDLE, AUTOSOMAL RECESSIVE 17. Identifiers: Orphanet 254361, MedGen C3150989, MONDO:0013390, OMIM 613723.
Epidermolysis bullosa simplex 5B, with muscular dystrophy (EBS5B). Also called: Epidermolysis bullosa simplex with muscular dystrophy; EPIDERMOLYSIS BULLOSA SIMPLEX AND LIMB-GIRDLE MUSCULAR DYSTROPHY. Identifiers: Orphanet 257, MedGen C2931072, MONDO:0009181, OMIM 226670.
Epidermolysis bullosa simplex, Ogna type (EBS5A). Also called: Pidermolysis bullosa simplex 5A, Ogna type; EPIDERMOLYSIS BULLOSA SIMPLEX 5A, OGNA TYPE. Identifiers: Orphanet 79401, MedGen C0432317, MONDO:0007555, OMIM 131950.
Epidermolysis bullosa simplex 5C, with pyloric atresia (EBS5C). Also called: PLEC1-Related Epidermolysis Bullosa with Pyloric Atresia; Epidermolysis bullosa simplex with pyloric atresia; PLEC-Related Epidermolysis Bullosa with Pyloric Atresia. Identifiers: Orphanet 158684, MedGen C2677349, MONDO:0012807, OMIM 612138.
Epidermolysis bullosa simplex with nail dystrophy (EBS5D). Identifiers: MedGen C4225309, MONDO:0014661, OMIM 616487.

Allele frequency attached by ClinVar (database versions not stated): gnomAD exomes 0.00003 and 0.00010; gnomAD 0.00004 and 0.00006; ExAC 0.00006; ESP Exome Variant Server 0.00009.
gnomAD v4.1: 155 of 1,594,570 alleles (0.0097%); highest among the groups gnomAD compares: East Asian, 0.016%; no homozygotes.

Submissions (3):

Labcorp Genetics (formerly Invitae), Labcorp
Classification: Uncertain significance for Autosomal recessive limb-girdle muscular dystrophy type 2Q; Epidermolysis bullosa simplex, Ogna type; Epidermolysis bullosa simplex with nail dystrophy; Epidermolysis bullosa simplex 5C, with pyloric atresia; Epidermolysis bullosa simplex 5B, with muscular dystrophy. Last evaluated: 2025-09-30. Review status: criteria provided, single submitter. Criteria: Invitae Variant Classification Sherloc (09022015). Collection method: clinical testing. Allele origin: germline.
Comment: This sequence change replaces alanine, which is neutral and non-polar, with valine, which is neutral and non-polar, at codon 2033 of the PLEC protein (p.Ala2033Val). This variant is present in population databases (rs376537341, gnomAD 0.01%). This variant has not been reported in the literature in individuals affected with PLEC-related conditions. ClinVar contains an entry for this variant (Variation ID: 854142). An algorithm developed to predict the effect of missense changes on protein structure and function outputs the following: PolyPhen-2: "Not Available". The valine amino acid residue is found in multiple mammalian species, which suggests that this missense change does not adversely affect protein function. In summary, the available evidence is currently insufficient to determine the role of this variant in disease. Therefore, it has been classified as a Variant of Uncertain Significance.

Mayo Clinic Laboratories, Mayo Clinic
Classification: Uncertain significance. Last evaluated: 2021-07-20. Review status: criteria provided, single submitter. Criteria: ACMG Guidelines, 2015. Collection method: clinical testing. Allele origin: germline.

Revvity Omics, Revvity
Classification: Uncertain significance. Last evaluated: 2019-11-30. Review status: criteria provided, single submitter. Criteria: ACMG Guidelines, 2015. Collection method: clinical testing. Allele origin: germline.

NM_201384.3(PLEC):c.6017C>T (p.Ala2006Val)

Gene: PLEC (plectin; minus strand). Cytogenetic location: 8q24.3.
Variant type: single nucleotide variant.
Coding change: c.6017C>T on transcript NM_201384.3 (MANE Select); coding-DNA position 6017, C replaced by T.
Protein change: p.Ala2006Val; replaces alanine 2006 with valine.
Molecular consequence: missense variant.
Genome position (GRCh38, 1-based): chr8:143,923,912, G>A on the plus strand (C>T on the coding strand, the complement: PLEC is on the minus strand). VCF-style: chr8-143923912-G-A. GRCh37 (hg19) VCF-style: chr8-144998080-G-A.
Other names: p.Ala2033Val; c.6098C>T (NM_000445.3); c.6098C>T, p.Ala2033Val (NM_000445.5); c.5975C>T, p.Ala1992Val (NM_201378.4); c.5951C>T, p.Ala1984Val (NM_201379.3); c.6428C>T, p.Ala2143Val (NM_201380.4); c.5921C>T, p.Ala1974Val (NM_201381.3); c.6017C>T, p.Ala2006Val (NM_201382.4); and 1 more; short protein forms A1984V, A1992V, A2010V, A1974V, A2006V, A2033V, A2143V.
Identifiers: ClinVar variation 854142 (VCV000854142.13), dbSNP rs376537341, ClinGen allele CA4926142.